The following is an entry in ClinVar:

NM_003105.6(SORL1):c.2590G>A (p.Asp864Asn)

Gene: SORL1 (sortilin related receptor 1; plus strand). Cytogenetic location: 11q24.1.
Variant type: single nucleotide variant.
Coding change: c.2590G>A on transcript NM_003105.6 (MANE Select); coding-DNA position 2590, G replaced by A.
Protein change: p.Asp864Asn; replaces aspartic acid 864 with asparagine.
Molecular consequence: missense variant.
Genome position (GRCh38, 1-based): chr11:121,557,332, G>A. VCF-style: chr11-121557332-G-A. GRCh37 (hg19) VCF-style: chr11-121428041-G-A.
Other names: short protein forms D864N.
Identifiers: ClinVar variation 3001045 (VCV003001045.3), dbSNP rs141027795, ClinGen allele CA6329003.

ClinVar aggregate classification (germline): Uncertain significance (1 of 4 stars; one submission).

Allele frequency attached by ClinVar (database versions not stated): gnomAD exomes 0.00001; TOPMed 0.00002; ExAC 0.00003; gnomAD 0.00003; ESP Exome Variant Server 0.00008.
gnomAD v4.1: 17 of 1,613,900 alleles (0.0011%); highest among the groups gnomAD compares: East Asian, 0.0045%; no homozygotes.

Submission:

Labcorp Genetics (formerly Invitae), Labcorp
Classification: Uncertain significance. Last evaluated: 2024-05-28. Review status: criteria provided, single submitter. Criteria: Invitae Variant Classification Sherloc (09022015). Collection method: clinical testing. Allele origin: germline.
Comment: This sequence change replaces aspartic acid, which is acidic and polar, with asparagine, which is neutral and polar, at codon 864 of the SORL1 protein (p.Asp864Asn). This variant is present in population databases (rs141027795, gnomAD 0.01%). This variant has not been reported in the literature in individuals affected with SORL1-related conditions. Algorithms developed to predict the effect of missense changes on protein structure and function output the following: SIFT: "Not Available"; PolyPhen-2: "Benign"; Align-GVGD: "Not Available". The asparagine amino acid residue is found in multiple mammalian species, which suggests that this missense change does not adversely affect protein function. In summary, the available evidence is currently insufficient to determine the role of this variant in disease. Therefore, it has been classified as a Variant of Uncertain Significance.